The following is an entry in ClinVar:

NM_014244.5(ADAMTS2):c.3443G>C (p.Ser1148Thr)

Gene: ADAMTS2 (ADAM metallopeptidase with thrombospondin type 1 motif 2; minus strand). Cytogenetic location: 5q35.3.
Variant type: single nucleotide variant.
Coding change: c.3443G>C on transcript NM_014244.5 (MANE Select); coding-DNA position 3443, G replaced by C.
Protein change: p.Ser1148Thr; replaces serine 1148 with threonine.
Molecular consequence: missense variant.
Genome position (GRCh38, 1-based): chr5:179,114,060, C>G on the plus strand (G>C on the coding strand, the complement: ADAMTS2 is on the minus strand). VCF-style: chr5-179114060-C-G. GRCh37 (hg19) VCF-style: chr5-178541061-C-G.
Other names: short protein forms S1148T.
Identifiers: ClinVar variation 4076594 (VCV004076594.1).
Genomic context (GRCh38, chr5:179,114,060, plus strand): 5'-TGGATTTTGTAGGGTTCATCTACGGCATTGGTTTCTGGGTGATCCTCTGTGGCATTGGTG[C>G]TGGAGGCATTGAGAGGGACCTCCAGGGGGGTGCTTGGTGATGGCCGCACCTCCATGGCTA-3'
Protein context (NP_055059.2, residues 1138-1158): TPLEVPLNAS[Ser1148Thr]TNATEDHPET

ClinVar aggregate classification (germline): Uncertain significance (1 of 4 stars; one submission).

gnomAD v4.1: 1 of 1,614,112 alleles (0.000062%); highest among the groups gnomAD compares: African/African-American, 0.0013%; no homozygotes.

Submission:

GeneDx
Classification: Uncertain significance. Last evaluated: 2025-02-20. Review status: criteria provided, single submitter. Criteria: GeneDx Variant Classification Process June 2021. Collection method: clinical testing. Allele origin: germline. Affected: yes.
Comment: Not observed at significant frequency in large population cohorts (gnomAD); In silico analysis indicates that this missense variant does not alter protein structure/function; Has not been previously published as pathogenic or benign to our knowledge